The following is an entry in ClinVar:

NM_199242.3(UNC13D):c.1643T>C (p.Val548Ala)

Gene: UNC13D (unc-13 homolog D; minus strand). Cytogenetic location: 17q25.1.
Variant type: single nucleotide variant.
Coding change: c.1643T>C on transcript NM_199242.3 (MANE Select); coding-DNA position 1643, T replaced by C.
Protein change: p.Val548Ala; replaces valine 548 with alanine.
Molecular consequence: missense variant.
Genome position (GRCh38, 1-based): chr17:75,835,731, A>G on the plus strand (T>C on the coding strand, the complement: UNC13D is on the minus strand). VCF-style: chr17-75835731-A-G. GRCh37 (hg19) VCF-style: chr17-73831812-A-G.
Other names: short protein forms V548A.
Identifiers: ClinVar variation 2040239 (VCV002040239.4), dbSNP rs2545981650, ClinGen allele CA401094370.
Genomic context (GRCh38, chr17:75,835,731, plus strand): 5'-TGGCAGAGCTCCTTGAGGCTGATGTAGAGCTGGAACAGACTCTCGCCCATCTCTGGGGAC[A>G]CTACATCACCCACAACCGTCGTGTGGTCCTGCACCCGCTTGGCCACCTGCAAAGGAAAGG-3'
Protein context (NP_954712.1, residues 538-558): QDHTTVVGDV[Val548Ala]SPEMGESLFQ

ClinVar aggregate classification (germline): Uncertain significance (1 of 4 stars; one submission).

Conditions:
Familial hemophagocytic lymphohistiocytosis 3 (FHL3). Also called: UNC13D-Related Familial Hemophagocytic Lymphohistiocytosis (UNC13D-fHLH). Identifiers: Orphanet 540, MedGen C1837174, MONDO:0012146, OMIM 608898.

Submission:

Labcorp Genetics (formerly Invitae), Labcorp
Classification: Uncertain significance for Familial hemophagocytic lymphohistiocytosis 3. Last evaluated: 2023-05-08. Review status: criteria provided, single submitter. Criteria: Invitae Variant Classification Sherloc (09022015). Collection method: clinical testing. Allele origin: germline.
Comment: This sequence change replaces valine, which is neutral and non-polar, with alanine, which is neutral and non-polar, at codon 548 of the UNC13D protein (p.Val548Ala). This variant is not present in population databases (gnomAD no frequency). This variant has not been reported in the literature in individuals affected with UNC13D-related conditions. ClinVar contains an entry for this variant (Variation ID: 2040239). An algorithm developed to predict the effect of missense changes on protein structure and function (PolyPhen-2) suggests that this variant is likely to be tolerated. In summary, the available evidence is currently insufficient to determine the role of this variant in disease. Therefore, it has been classified as a Variant of Uncertain Significance.